The following is an entry in ClinVar:

ClinVar aggregate classification (germline): Benign. Review status: criteria provided, single submitter (1 of 4 stars). 2 submissions from 1 submitter: Benign (2). Last evaluated 2018-01-13.

Conditions:
Short-rib thoracic dysplasia 7 with or without polydactyly (SRTD7). Also called: Short rib polydactyly syndrome 5; SHORT-RIB THORACIC DYSPLASIA 7 WITH POLYDACTYLY. Identifiers: Orphanet 498497, Orphanet 93271, MedGen C3279792, MONDO:0013569, OMIM 614091.
Cranioectodermal dysplasia 2 (CED2). Identifiers: Orphanet 1515, MedGen C3150874, MONDO:0013323, OMIM 613610.

Allele frequency attached by ClinVar (database versions not stated): 1000 Genomes Project 0.00539; 1000 Genomes Project 30x 0.00547; TOPMed 0.00570.

Submissions (2):

Illumina Laboratory Services, Illumina
Classification: Benign for Cranioectodermal dysplasia 2. Last evaluated: 2018-01-13. Review status: criteria provided, single submitter. Criteria: ICSL Variant Classification Criteria 13 December 2019. Collection method: clinical testing. Allele origin: germline.
Comment: This variant was observed in the ICSL laboratory as part of a predisposition screen in an ostensibly healthy population. It had not been previously curated by ICSL or reported in the Human Gene Mutation Database (HGMD: prior to June 1st, 2018), and was therefore a candidate for classification through an automated scoring system. Utilizing variant allele frequency, disease prevalence and penetrance estimates, and inheritance mode, an automated score was calculated to assess if this variant is too frequent to cause the disease. Based on the score and internal cut-off values, a variant classified as benign is not then subjected to further curation. The score for this variant resulted in a classification of benign for this disease.

Illumina Laboratory Services, Illumina
Classification: Benign for Short-rib thoracic dysplasia 7 with or without polydactyly. Last evaluated: 2018-01-13. Review status: criteria provided, single submitter. Criteria: ICSL Variant Classification Criteria 13 December 2019. Collection method: clinical testing. Allele origin: germline.
Comment: the same text as in the submission from Illumina Laboratory Services, Illumina above.

NM_020779.4(WDR35):c.*978A>G

Gene: WDR35 (WD repeat domain 35; minus strand). Cytogenetic location: 2p24.1.
Variant type: single nucleotide variant.
Coding change: c.*978A>G on transcript NM_020779.4 (MANE Select); 978 bases downstream of the stop codon, A replaced by G.
Molecular consequence: 3 prime UTR variant.
Genome position (GRCh38, 1-based): chr2:19,912,580, T>C on the plus strand (A>G on the coding strand, the complement: WDR35 is on the minus strand). VCF-style: chr2-19912580-T-C. GRCh37 (hg19) VCF-style: chr2-20112341-T-C.
Other names: c.*978A>G (NM_001006657.2).
Identifiers: ClinVar variation 894874 (VCV000894874.4), dbSNP rs149444449, ClinGen allele CA43853237.